The following is an entry in ClinVar:

ClinVar aggregate classification (germline): Benign. Review status: criteria provided, multiple submitters, no conflicts (2 of 4 stars). 8 submissions from 8 submitters: Benign (8). Last evaluated 2026-02-04.

Conditions:
Osteopetrosis with renal tubular acidosis (OPTB3). Also called: Autosomal recessive osteopetrosis 3. Identifiers: Orphanet 2785, MedGen C0345407, MONDO:0009818, OMIM 259730.

Allele frequency attached by ClinVar (database versions not stated): 1000 Genomes Project 0.57768; 1000 Genomes Project 30x 0.57933; gnomAD exomes 0.58579 and 0.59611; ExAC 0.58930; TOPMed 0.63132; gnomAD 0.63211 and 0.64073; ESP Exome Variant Server 0.64309.
gnomAD v4.1: 967,194 of 1,613,494 alleles (60%); highest among the groups gnomAD compares: African/African-American, 71%; 293,212 homozygotes.

Submissions (8):

Labcorp Genetics (formerly Invitae), Labcorp
Classification: Benign. Last evaluated: 2026-02-04. Review status: criteria provided, single submitter. Criteria: Invitae Variant Classification Sherloc (09022015). Collection method: clinical testing. Allele origin: germline.

Blueprint Genetics
Classification: Benign. Last evaluated: 2024-11-27. Review status: criteria provided, single submitter. Criteria: ACMG Guidelines, 2015. Collection method: clinical testing. Allele origin: germline.

Mayo Clinic Laboratories, Mayo Clinic
Classification: Benign. Last evaluated: 2022-03-09. Review status: criteria provided, single submitter. Criteria: ACMG Guidelines, 2015. Collection method: clinical testing. Allele origin: germline. Observed: 142 variant alleles.

Genome-Nilou Lab
Classification: Benign for Osteopetrosis with renal tubular acidosis. Last evaluated: 2021-07-14. Review status: criteria provided, single submitter. Criteria: ACMG Guidelines, 2015. Collection method: clinical testing. Allele origin: germline. Affected: no.

GeneDx
Classification: Benign. Last evaluated: 2018-11-10. Review status: criteria provided, single submitter. Criteria: GeneDx Variant Classification Process June 2021. Collection method: clinical testing. Allele origin: germline. Affected: yes.

Illumina Laboratory Services, Illumina
Classification: Benign for Osteopetrosis with renal tubular acidosis. Last evaluated: 2018-01-13. Review status: criteria provided, single submitter. Criteria: ICSL Variant Classification Criteria 13 December 2019. Collection method: clinical testing. Allele origin: germline.
Comment: This variant was observed in the ICSL laboratory as part of a predisposition screen in an ostensibly healthy population. It had not been previously curated by ICSL or reported in the Human Gene Mutation Database (HGMD: prior to June 1st, 2018), and was therefore a candidate for classification through an automated scoring system. Utilizing variant allele frequency, disease prevalence and penetrance estimates, and inheritance mode, an automated score was calculated to assess if this variant is too frequent to cause the disease. Based on the score and internal cut-off values, a variant classified as benign is not then subjected to further curation. The score for this variant resulted in a classification of benign for this disease.

Breakthrough Genomics
Classification: Benign. Review status: criteria provided, single submitter. Criteria: ACMG Guidelines, 2015. Collection method: not provided. Allele origin: germline. Inheritance: Autosomal recessive inheritance. Affected: yes.

PreventionGenetics, part of Exact Sciences
Classification: Benign. Review status: criteria provided, single submitter. Criteria: ACMG Guidelines, 2015. Collection method: clinical testing. Allele origin: germline.

NM_000067.3(CA2):c.562T>C (p.Leu188=)

Gene: CA2 (carbonic anhydrase 2; plus strand). Cytogenetic location: 8q21.2.
Variant type: single nucleotide variant.
Coding change: c.562T>C on transcript NM_000067.3 (MANE Select); coding-DNA position 562, T replaced by C.
Protein change: p.Leu188=; no amino-acid change (leucine 188 retained).
Molecular consequence: synonymous variant.
Genome position (GRCh38, 1-based): chr8:85,477,174, T>C. VCF-style: chr8-85477174-T-C. GRCh37 (hg19) VCF-style: chr8-86389403-T-C.
Other names: p.Leu188=; c.259T>C, p.Leu87= (NM_001293675.2).
Identifiers: ClinVar variation 254787 (VCV000254787.22), dbSNP rs703, ClinGen allele CA4796576.